The following is an entry in ClinVar:

ClinVar aggregate classification (germline): Uncertain significance (1 of 4 stars; one submission).

gnomAD v4.1: 4 of 1,609,492 alleles (0.00025%); highest among the groups gnomAD compares: African/African-American, 0.004%; no homozygotes.

Submission:

ARUP Laboratories, Molecular Genetics and Genomics, ARUP Laboratories
Classification: Uncertain significance. Last evaluated: 2024-04-03. Review status: criteria provided, single submitter. Criteria: ARUP Molecular Germline Variant Investigation Process 2024. Collection method: clinical testing. Allele origin: germline.
Comment: The NOTCH1 c.6719C>T; p.Thr2240Ile variant (rs1181114207), to our knowledge, is not reported in the medical literature or gene specific databases. This variant is only found on one allele in the Genome Aggregation Database (v2.1.1), indicating it is not a common polymorphism. Computational analyses are uncertain whether this variant is neutral or deleterious (REVEL: 0.176). Due to limited information, the clinical significance of this variant is uncertain at this time.

NM_017617.5(NOTCH1):c.6719C>T (p.Thr2240Ile)

Gene: NOTCH1 (notch receptor 1; minus strand). Cytogenetic location: 9q34.3.
Variant type: single nucleotide variant.
Coding change: c.6719C>T on transcript NM_017617.5 (MANE Select); coding-DNA position 6719, C replaced by T.
Protein change: p.Thr2240Ile; replaces threonine 2240 with isoleucine.
Molecular consequence: missense variant.
Genome position (GRCh38, 1-based): chr9:136,497,020, G>A on the plus strand (C>T on the coding strand, the complement: NOTCH1 is on the minus strand). VCF-style: chr9-136497020-G-A. GRCh37 (hg19) VCF-style: chr9-139391472-G-A.
Other names: short protein forms T2240I.
Identifiers: ClinVar variation 3766545 (VCV003766545.1).
Genomic context (GRCh38, chr9:136,497,020, plus strand): 5'-CCACCCAGCGCCGCCATCTCGGGCTTGGCCGCCACGTTCAGGTGCCCGATGCCCAGGTGG[G>A]TGTCGGGCATCCCAGGCAGGTGGTTGAGGGGCACGGACGGAGACTGCTGGAACGGGGAGG-3'
Protein context (NP_060087.3, residues 2230-2250): PLNHLPGMPD[Thr2240Ile]HLGIGHLNVA